The following is an entry in ClinVar:

ClinVar aggregate classification (germline): Uncertain significance. Review status: criteria provided, single submitter (1 of 4 stars). 2 submissions from 2 submitters: Uncertain significance (1). 1 of the submissions does not count toward it. Last evaluated 2024-01-08.

Conditions:
MYH7-related skeletal myopathy. Also called: Laing early-onset distal myopathy; Laing distal myopathy; Myopathy, distal, 1; MYOPATHY, DISTAL, EARLY-ONSET, AUTOSOMAL DOMINANT; MYOPATHY, LATE DISTAL HEREDITARY. Identifiers: Orphanet 59135, MedGen C4552004, MONDO:0008050, OMIM 160500.
Hypertrophic cardiomyopathy. Also called: HYPERTROPHIC MYOCARDIOPATHY. Identifiers: Orphanet 217569, MedGen C0007194, MeSH D002312, MONDO:0005045, HP:0001639.

Submissions (2):

Labcorp Genetics (formerly Invitae), Labcorp
Classification: Uncertain significance for Hypertrophic cardiomyopathy. Last evaluated: 2024-01-08. Review status: criteria provided, single submitter. Criteria: Invitae Variant Classification Sherloc (09022015). Collection method: clinical testing. Allele origin: germline.
Comment: This sequence change replaces glutamine, which is neutral and polar, with arginine, which is basic and polar, at codon 1040 of the MYH7 protein (p.Gln1040Arg). This variant is not present in population databases (gnomAD no frequency). This variant has not been reported in the literature in individuals affected with MYH7-related conditions. ClinVar contains an entry for this variant (Variation ID: 1710269). Advanced modeling of protein sequence and biophysical properties (such as structural, functional, and spatial information, amino acid conservation, physicochemical variation, residue mobility, and thermodynamic stability) performed at Invitae indicates that this missense variant is expected to disrupt MYH7 protein function with a positive predictive value of 95%. In summary, the available evidence is currently insufficient to determine the role of this variant in disease. Therefore, it has been classified as a Variant of Uncertain Significance.

Clinical Genetics Laboratory, University Hospital Schleswig-Holstein
Classification: Likely pathogenic for MYH7-related skeletal myopathy. Last evaluated: 2022-06-02. Review status: no assertion criteria provided. Collection method: clinical testing. Allele origin: germline. Affected: yes. Not counted in ClinVar's aggregate classification.

NM_000257.4(MYH7):c.3119A>G (p.Gln1040Arg)

Gene: MYH7 (myosin heavy chain 7; minus strand). Cytogenetic location: 14q11.2.
Variant type: single nucleotide variant.
Coding change: c.3119A>G on transcript NM_000257.4 (MANE Select); coding-DNA position 3119, A replaced by G.
Protein change: p.Gln1040Arg; replaces glutamine 1040 with arginine.
Molecular consequence: missense variant.
Genome position (GRCh38, 1-based): chr14:23,422,306, T>C on the plus strand (A>G on the coding strand, the complement: MYH7 is on the minus strand). VCF-style: chr14-23422306-T-C. GRCh37 (hg19) VCF-style: chr14-23891515-T-C.
Other names: c.3119A>G, p.Gln1040Arg (NM_001407004.1); short protein forms Q1040R.
Identifiers: ClinVar variation 1710269 (VCV001710269.5), dbSNP rs2502272925, ClinGen allele CA389045480.